The following is an entry in ClinVar:

NM_000642.3(AGL):c.1000dup (p.Thr334fs)

Gene: AGL (amylo-alpha-1,6-glucosidase and 4-alpha-glucanotransferase; plus strand). Cytogenetic location: 1p21.2.
Variant type: Duplication.
Coding change: c.1000dup on transcript NM_000642.3 (MANE Select); coding-DNA position 1000, one base duplicated (A; older notation c.1000dupA).
Protein change: p.Thr334fs; shifts the reading frame from threonine 334.
Molecular consequence: frameshift variant.
Genome position (GRCh38, 1-based): chr1:99,874,728, A duplicated. VCF-style (leftmost placement, unchanged base first): chr1-99874727-T-TA. GRCh37 (hg19) VCF-style: chr1-100340283-T-TA.
Other names: c.1000dupA (NM_000642.2); c.1000dup, p.Thr334Asnfs (NM_000028.3, NM_000643.3, NM_000644.3 and 3 more transcripts); c.952dup, p.Thr318Asnfs (NM_000646.3); c.796dup, p.Thr266Asnfs (NM_001425328.1, NM_001425329.1); c.622dup, p.Thr208Asnfs (NM_001425332.1); short protein forms T318fs, T334fs.
Identifiers: ClinVar variation 521450 (VCV000521450.10), dbSNP rs1553185302, ClinGen allele CA658795484.

ClinVar aggregate classification (germline): Pathogenic. Review status: criteria provided, multiple submitters, no conflicts (2 of 4 stars). 3 submissions from 3 submitters: Pathogenic (3). Last evaluated 2026-02-20.

Conditions:
Inborn genetic diseases. Identifiers: MedGen C0950123, MeSH D030342.
Glycogen storage disease type III (GSD3). Also called: FORBES DISEASE; Cori disease. Identifiers: Orphanet 366, MedGen C0017922, MONDO:0009291, OMIM 232400.

Allele frequency attached by ClinVar (database versions not stated): gnomAD exomes below 0.00001.

Submissions (3):

Ambry Genetics
Classification: Pathogenic for Inborn genetic diseases. Last evaluated: 2026-02-20. Review status: criteria provided, single submitter. Criteria: Ambry Variant Classification Scheme 2023. Collection method: clinical testing. Allele origin: germline.
Comment: The c.1000dupA (p.T334Nfs*7) alteration, located in exon 8 (coding exon 7) of the AGL gene, consists of a duplication of A at position 1000, causing a translational frameshift with a predicted alternate stop codon after 7 amino acids. This variant is expected to result in loss of function by premature protein truncation or nonsense-mediated mRNA decay. This variant was not reported in population-based cohorts in the Genome Aggregation Database (gnomAD). Based on the available evidence, this alteration is classified as pathogenic.

Genome-Nilou Lab
Classification: Pathogenic for Glycogen storage disease type III. Last evaluated: 2023-04-11. Review status: criteria provided, single submitter. Criteria: ACMG Guidelines, 2015. Collection method: clinical testing. Allele origin: germline. Affected: no.

Labcorp Genetics (formerly Invitae), Labcorp
Classification: Pathogenic for Glycogen storage disease type III. Last evaluated: 2022-09-02. Review status: criteria provided, single submitter. Criteria: Invitae Variant Classification Sherloc (09022015). Collection method: clinical testing. Allele origin: germline.
Comment: For these reasons, this variant has been classified as Pathogenic. ClinVar contains an entry for this variant (Variation ID: 521450). This variant has not been reported in the literature in individuals affected with AGL-related conditions. This variant is not present in population databases (gnomAD no frequency). This sequence change creates a premature translational stop signal (p.Thr334Asnfs*7) in the AGL gene. It is expected to result in an absent or disrupted protein product. Loss-of-function variants in AGL are known to be pathogenic (PMID: 19299494).

Literature cited by the submitters: PubMed 19299494 (cited by Labcorp Genetics (formerly Invitae), Labcorp).